The following is an entry in ClinVar:

ClinVar aggregate classification (germline): Uncertain significance (1 of 4 stars; one submission).

Submission:

Women's Health and Genetics/Laboratory Corporation of America, LabCorp
Classification: Uncertain significance. Last evaluated: 2022-08-18. Review status: criteria provided, single submitter. Criteria: LabCorp Variant Classification Summary - May 2015. Collection method: clinical testing. Allele origin: germline.
Comment: Variant summary: PTCH1 c.1347G>A (p.Met449Ile) results in a conservative amino acid change located in the Sterol-sensing domain (IPR000731) of the encoded protein sequence. Three of five in-silico tools predict a damaging effect of the variant on protein function. The variant is located close to a canonical splice site and may therefore impact splicing. Several computational tools predict a significant impact on normal splicing: Four predict the variant abolishes a 5' splicing donor site and two predict the variant creates a 3' acceptor site. However, these predictions have yet to be confirmed by functional studies. The variant was absent in 251462 control chromosomes (gnomAD). The available data on variant occurrences in the general population are insufficient to allow any conclusion about variant significance. To our knowledge, no occurrence of c.1347G>A in individuals affected with Nevoid Basal Cell Carcinoma Syndrome (Gorlin Syndrome) and no experimental evidence demonstrating its impact on protein function have been reported. No clinical diagnostic laboratories have submitted clinical-significance assessments for this variant to ClinVar after 2014. Based on the evidence outlined above, the variant was classified as uncertain significance.

NM_000264.5(PTCH1):c.1347G>A (p.Met449Ile)

Gene: PTCH1 (patched 1; minus strand). Cytogenetic location: 9q22.32.
Variant type: single nucleotide variant.
Coding change: c.1347G>A on transcript NM_000264.5 (MANE Select); coding-DNA position 1347, G replaced by A.
Protein change: p.Met449Ile; replaces methionine 449 with isoleucine.
Molecular consequence: missense variant. On other transcripts: non-coding transcript variant (1).
Genome position (GRCh38, 1-based): chr9:95,478,055, C>T on the plus strand (G>A on the coding strand, the complement: PTCH1 is on the minus strand). VCF-style: chr9-95478055-C-T. GRCh37 (hg19) VCF-style: chr9-98240337-C-T.
Other names: c.1149G>A, p.Met383Ile (NM_001083602.3); c.1344G>A, p.Met448Ile (NM_001083603.3); c.894G>A, p.Met298Ile (NM_001083604.3, NM_001083605.3, NM_001083606.3 and 1 more transcripts); c.1347G>A, p.Met449Ile (NM_001354918.2); short protein forms M298I, M383I, M448I, M449I.
Identifiers: ClinVar variation 1705123 (VCV001705123.1), dbSNP rs776771009, ClinGen allele CA374118699.